The following is an entry in ClinVar:

NM_001378183.1(PIEZO2):c.3641C>T (p.Pro1214Leu)

Gene: PIEZO2 (piezo type mechanosensitive ion channel component 2; minus strand). Cytogenetic location: 18p11.22.
Variant type: single nucleotide variant.
Coding change: c.3641C>T on transcript NM_001378183.1 (MANE Select); coding-DNA position 3641, C replaced by T.
Protein change: p.Pro1214Leu; replaces proline 1214 with leucine.
Molecular consequence: missense variant.
Genome position (GRCh38, 1-based): chr18:10,759,719, G>A on the plus strand (C>T on the coding strand, the complement: PIEZO2 is on the minus strand). VCF-style: chr18-10759719-G-A. GRCh37 (hg19) VCF-style: chr18-10759717-G-A.
Other names: c.3641C>T, p.Pro1214Leu (NM_001410871.1); c.3566C>T, p.Pro1189Leu (NM_022068.4); short protein forms P1189L, P1214L.
Identifiers: ClinVar variation 4797850 (VCV004797850.1).

ClinVar aggregate classification (germline): Uncertain significance (1 of 4 stars; one submission).

gnomAD v4.1: 1 of 1,537,312 alleles (0.000065%); highest among the groups gnomAD compares: Admixed American, 0.002%; no homozygotes.

Submission:

Labcorp Genetics (formerly Invitae), Labcorp
Classification: Uncertain significance. Last evaluated: 2025-06-16. Review status: criteria provided, single submitter. Criteria: Invitae Variant Classification Sherloc (09022015). Collection method: clinical testing. Allele origin: germline.
Comment: This sequence change replaces proline, which is neutral and non-polar, with leucine, which is neutral and non-polar, at codon 1189 of the PIEZO2 protein (p.Pro1189Leu). This variant is present in population databases (no rsID available, gnomAD 0.004%). This variant has not been reported in the literature in individuals affected with PIEZO2-related conditions. Invitae Evidence Modeling of protein sequence and biophysical properties (such as structural, functional, and spatial information, amino acid conservation, physicochemical variation, residue mobility, and thermodynamic stability) indicates that this missense variant is expected to disrupt PIEZO2 protein function with a positive predictive value of 80%. In summary, the available evidence is currently insufficient to determine the role of this variant in disease. Therefore, it has been classified as a Variant of Uncertain Significance.